The following is an entry in ClinVar:

ClinVar aggregate classification (germline): Pathogenic (1 of 4 stars; one submission).

Conditions:
Congenital adrenal insufficiency with 46, XY sex reversal OR 46,XY disorder of sex development-adrenal insufficiency due to CYP11A1 deficiency. Also called: P450scc DEFICIENCY; Congenital adrenal insuffiency with 46, XY sex reversal OR 46,XY disorder of sex development-adrenal insufficiency due to CYP11A1 deficiency. Identifiers: Orphanet 168558, MedGen C3151055, MONDO:0013400, OMIM 613743.

Submission:

Myriad Genetics, Inc.
Classification: Pathogenic for Congenital adrenal insufficiency with 46, XY sex reversal OR 46,XY disorder of sex development-adrenal insufficiency due to CYP11A1 deficiency. Last evaluated: 2026-09-09. Review status: criteria provided, single submitter. Criteria: Myriad Autosomal Dominant, Autosomal Recessive and X-Linked Classification Criteria (2023). Collection method: clinical testing. Allele origin: unknown.
Comment: NM_000781.2(CYP11A1):c.589dupG(D197Gfs*4) is expected to be pathogenic in the context of congenital adrenal hyperplasia, CYP11A1-related. This variant is predicted to lead to an abnormal or absent protein product due to the creation of a premature termination codon in CYP11A1, a gene where loss-of-function variants are known to be pathogenic. Please note: this variant was assessed in the context of healthy population screening.

NM_000781.3(CYP11A1):c.589dup (p.Asp197fs)

Gene: CYP11A1 (cytochrome P450 family 11 subfamily A member 1; minus strand). Cytogenetic location: 15q24.1.
Variant type: Duplication.
Coding change: c.589dup on transcript NM_000781.3 (MANE Select); coding-DNA position 589, one base duplicated (G; older notation c.589dupG).
Protein change: p.Asp197fs; shifts the reading frame from aspartic acid 197.
Molecular consequence: frameshift variant.
Genome position (GRCh38, 1-based): chr15:74,345,080, C duplicated on the plus strand (G on the coding strand, the reverse complement: CYP11A1 is on the minus strand); the first of 5 consecutive C bases (chr15:74,345,080-74,345,084); duplicating any one gives the same sequence. VCF-style (leftmost placement, unchanged base first): chr15-74345079-T-TC. GRCh37 (hg19) VCF-style: chr15-74637420-T-TC.
Other names: c.115dup, p.Asp39fs (NM_001099773.2); short protein forms D197fs, D39fs.
Identifiers: ClinVar variation 5016327 (VCV005016327.1).